The following is an entry in ClinVar:

ClinVar aggregate classification (germline): Uncertain significance (1 of 4 stars; one submission).

Conditions:
Inborn genetic diseases. Identifiers: MedGen C0950123, MeSH D030342.

Submission:

Ambry Genetics
Classification: Uncertain significance for Inborn genetic diseases. Last evaluated: 2024-08-12. Review status: criteria provided, single submitter. Criteria: Ambry Variant Classification Scheme 2023. Collection method: clinical testing. Allele origin: germline.
Comment: The p.S1835A variant (also known as c.5503T>G), located in coding exon 32 of the ATR gene, results from a T to G substitution at nucleotide position 5503. The serine at codon 1835 is replaced by alanine, an amino acid with similar properties. This amino acid position is conserved. In addition, the in silico prediction for this alteration is inconclusive. Based on the available evidence, the clinical significance of this variant remains unclear.

NM_001184.4(ATR):c.5503T>G (p.Ser1835Ala)

Gene: ATR (ATR serine/threonine kinase; minus strand). Cytogenetic location: 3q23.
Variant type: single nucleotide variant.
Coding change: c.5503T>G on transcript NM_001184.4 (MANE Select); coding-DNA position 5503, T replaced by G.
Protein change: p.Ser1835Ala; replaces serine 1835 with alanine.
Molecular consequence: missense variant.
Genome position (GRCh38, 1-based): chr3:142,498,652, A>C on the plus strand (T>G on the coding strand, the complement: ATR is on the minus strand). VCF-style: chr3-142498652-A-C. GRCh37 (hg19) VCF-style: chr3-142217494-A-C.
Other names: c.5311T>G, p.Ser1771Ala (NM_001354579.2); short protein forms S1771A, S1835A.
Identifiers: ClinVar variation 3462528 (VCV003462528.1).